The following is an entry in ClinVar:

ClinVar aggregate classification (germline): Uncertain significance (1 of 4 stars; one submission).

Conditions:
Dyskeratosis congenita, autosomal recessive 5 (DKCB5). Identifiers: MedGen C3554656, MONDO:0014076, OMIM 615190.
Pulmonary fibrosis and/or bone marrow failure, Telomere-related, 3. Also called: PULMONARY FIBROSIS AND/OR BONE MARROW FAILURE SYNDROME, TELOMERE-RELATED, 3. Identifiers: Orphanet 2032, MedGen C4225346, MONDO:0014613, OMIM 616373.

gnomAD v4.1: 1 of 1,612,018 alleles (0.000062%); highest among the groups gnomAD compares: Admixed American, 0.0017%; no homozygotes.

Submission:

Labcorp Genetics (formerly Invitae), Labcorp
Classification: Uncertain significance for Dyskeratosis congenita, autosomal recessive 5; Pulmonary fibrosis and/or bone marrow failure, Telomere-related, 3. Last evaluated: 2025-07-20. Review status: criteria provided, single submitter. Criteria: Invitae Variant Classification Sherloc (09022015). Collection method: clinical testing. Allele origin: germline.
Comment: This sequence change replaces isoleucine, which is neutral and non-polar, with leucine, which is neutral and non-polar, at codon 984 of the RTEL1 protein (p.Ile984Leu). This variant is present in population databases (no rsID available, gnomAD 0.003%). This variant has not been reported in the literature in individuals affected with RTEL1-related conditions. ClinVar contains an entry for this variant (Variation ID: 2949757). An algorithm developed to predict the effect of missense changes on protein structure and function outputs the following: PolyPhen-2: "Benign". The leucine amino acid residue is found in multiple mammalian species, which suggests that this missense change does not adversely affect protein function. In summary, the available evidence is currently insufficient to determine the role of this variant in disease. Therefore, it has been classified as a Variant of Uncertain Significance.

NM_001283009.2(RTEL1):c.2950A>C (p.Ile984Leu)

Genes: RTEL1 (regulator of telomere elongation helicase 1; plus strand), RTEL1-TNFRSF6B (RTEL1-TNFRSF6B readthrough (NMD candidate); plus strand). Cytogenetic location: 20q13.33.
Variant type: single nucleotide variant.
Coding change: c.2950A>C on transcript NM_001283009.2 (MANE Select); coding-DNA position 2950, A replaced by C.
Protein change: p.Ile984Leu; replaces isoleucine 984 with leucine.
Molecular consequence: missense variant. On other transcripts: non-coding transcript variant (1).
Genome position (GRCh38, 1-based): chr20:63,693,241, A>C. VCF-style: chr20-63693241-A-C. GRCh37 (hg19) VCF-style: chr20-62324594-A-C.
Other names: c.2281A>C, p.Ile761Leu (NM_001283010.1); c.2950A>C, p.Ile984Leu (NM_016434.4); c.3022A>C, p.Ile1008Leu (NM_032957.5); short protein forms I1008L, I761L, I984L.
Identifiers: ClinVar variation 2949757 (VCV002949757.3), dbSNP rs1190777797, ClinGen allele CA409683364.